The following is an entry in ClinVar:

NM_001160372.4(TRAPPC9):c.2192G>A (p.Ser731Asn)

Gene: TRAPPC9 (trafficking protein particle complex subunit 9; minus strand). Cytogenetic location: 8q24.3.
Variant type: single nucleotide variant.
Coding change: c.2192G>A on transcript NM_001160372.4 (MANE Select); coding-DNA position 2192, G replaced by A.
Protein change: p.Ser731Asn; replaces serine 731 with asparagine.
Molecular consequence: missense variant. On other transcripts: non-coding transcript variant (1).
Genome position (GRCh38, 1-based): chr8:140,275,744, C>T on the plus strand (G>A on the coding strand, the complement: TRAPPC9 is on the minus strand). VCF-style: chr8-140275744-C-T. GRCh37 (hg19) VCF-style: chr8-141285843-C-T.
Other names: c.2486G>A (NM_031466.5); c.2165G>A, p.Ser722Asn (NM_001321646.2); c.2213G>A, p.Ser738Asn (NM_001374682.1); c.2192G>A, p.Ser731Asn (NM_001374683.1, NM_031466.8); c.2048G>A, p.Ser683Asn (NM_001374684.1); short protein forms S722N, S738N, S731N, S683N.
Identifiers: ClinVar variation 2058455 (VCV002058455.6), dbSNP rs190366399, ClinGen allele CA4893162.

ClinVar aggregate classification (germline): Uncertain significance. Review status: criteria provided, multiple submitters, no conflicts (2 of 4 stars). 2 submissions from 2 submitters: Uncertain significance (2). Last evaluated 2023-03-29.

Conditions:
Inborn genetic diseases. Identifiers: MedGen C0950123, MeSH D030342.

Allele frequency attached by ClinVar (database versions not stated): gnomAD 0.00004; 1000 Genomes Project 0.00020; 1000 Genomes Project 30x 0.00016; gnomAD exomes 0.00001; TOPMed 0.00003; ExAC 0.00005.
gnomAD v4.1: 22 of 1,613,892 alleles (0.0014%); highest among the groups gnomAD compares: East Asian, 0.047%; no homozygotes.

Submissions (2):

Ambry Genetics
Classification: Uncertain significance for Inborn genetic diseases. Last evaluated: 2023-03-29. Review status: criteria provided, single submitter. Criteria: Ambry Variant Classification Scheme 2023. Collection method: clinical testing. Allele origin: germline.

Labcorp Genetics (formerly Invitae), Labcorp
Classification: Uncertain significance. Last evaluated: 2022-12-02. Review status: criteria provided, single submitter. Criteria: Invitae Variant Classification Sherloc (09022015). Collection method: clinical testing. Allele origin: germline.
Comment: This sequence change replaces serine, which is neutral and polar, with asparagine, which is neutral and polar, at codon 829 of the TRAPPC9 protein (p.Ser829Asn). This variant is present in population databases (rs190366399, gnomAD 0.1%). This variant has not been reported in the literature in individuals affected with TRAPPC9-related conditions. Algorithms developed to predict the effect of missense changes on protein structure and function are either unavailable or do not agree on the potential impact of this missense change (SIFT: "Not Available"; PolyPhen-2: "Benign"; Align-GVGD: "Not Available"). In summary, the available evidence is currently insufficient to determine the role of this variant in disease. Therefore, it has been classified as a Variant of Uncertain Significance.